The following is an entry in ClinVar:

NM_001384140.1(PCDH15):c.3496G>A (p.Val1166Met)

Gene: PCDH15 (protocadherin related 15; minus strand). Cytogenetic location: 10q21.1.
Variant type: single nucleotide variant.
Coding change: c.3496G>A on transcript NM_001384140.1 (MANE Select); coding-DNA position 3496, G replaced by A.
Protein change: p.Val1166Met; replaces valine 1166 with methionine.
Molecular consequence: missense variant.
Genome position (GRCh38, 1-based): chr10:53,903,248, C>T on the plus strand (G>A on the coding strand, the complement: PCDH15 is on the minus strand). VCF-style: chr10-53903248-C-T. GRCh37 (hg19) VCF-style: chr10-55663008-C-T.
Other names: c.3511G>A, p.Val1171Met (NM_001142763.2, NM_001142771.2); c.3496G>A, p.Val1166Met (NM_001142764.2, NM_001142766.2, NM_001142770.3 and 4 more transcripts); c.3283G>A, p.Val1095Met (NM_001142765.2); c.3385G>A, p.Val1129Met (NM_001142767.2); c.3430G>A, p.Val1144Met (NM_001142768.2, NM_001142773.2, NM_001354404.2); c.3532G>A, p.Val1178Met (NM_001142769.4); c.3517G>A, p.Val1173Met (NM_001354411.2); short protein forms V1144M, V1129M, V1166M, V1095M, V1171M, V1173M, V1178M.
Identifiers: ClinVar variation 1407546 (VCV001407546.9), dbSNP rs145102285, ClinGen allele CA5505655.
Genomic context (GRCh38, chr10:53,903,248, plus strand): 5'-TCTGCAAAACCTGAGCTTTTACTTTAGTTCTGTATATTAACATAATTCCGCATACCTTCA[C>T]TCTGAGTACAGAAGTAAACATTCTTGCATCTTCAGATACACCTCCGATGTAGAATTTTTT-3'
Protein context (NP_001371069.1, residues 1156-1176): DARMFTSVLR[Val1166Met]KATDKDTGNY

ClinVar aggregate classification (germline): Uncertain significance (1 of 4 stars; one submission).

Allele frequency attached by ClinVar (database versions not stated): gnomAD exomes below 0.00001; TOPMed below 0.00001; ExAC 0.00001; gnomAD 0.00001; ESP Exome Variant Server 0.00008.
gnomAD v4.1: 7 of 1,612,784 alleles (0.00043%); highest among the groups gnomAD compares: Non-Finnish European, 0.00059%; no homozygotes.

Submission:

Labcorp Genetics (formerly Invitae), Labcorp
Classification: Uncertain significance. Last evaluated: 2022-02-23. Review status: criteria provided, single submitter. Criteria: Invitae Variant Classification Sherloc (09022015). Collection method: clinical testing. Allele origin: germline.
Comment: In summary, the available evidence is currently insufficient to determine the role of this variant in disease. Therefore, it has been classified as a Variant of Uncertain Significance. Algorithms developed to predict the effect of missense changes on protein structure and function are either unavailable or do not agree on the potential impact of this missense change (SIFT: "Deleterious"; PolyPhen-2: "Probably Damaging"; Align-GVGD: "Class C0"). This variant has not been reported in the literature in individuals affected with PCDH15-related conditions. This variant is present in population databases (rs145102285, gnomAD 0.0009%). This sequence change replaces valine, which is neutral and non-polar, with methionine, which is neutral and non-polar, at codon 1166 of the PCDH15 protein (p.Val1166Met).